The following is an entry in ClinVar:

NM_000094.4(COL7A1):c.846+2T>G

Gene: COL7A1 (collagen type VII alpha 1 chain; minus strand). Cytogenetic location: 3p21.31.
Variant type: single nucleotide variant.
Coding change: c.846+2T>G on transcript NM_000094.4 (MANE Select); the canonical splice donor site of the intron after coding-DNA position 846, T replaced by G.
Molecular consequence: splice donor variant.
Genome position (GRCh38, 1-based): chr3:48,592,773, A>C on the plus strand (T>G on the coding strand, the complement: COL7A1 is on the minus strand). VCF-style: chr3-48592773-A-C. GRCh37 (hg19) VCF-style: chr3-48630206-A-C.
Identifiers: ClinVar variation 3389942 (VCV003389942.14).

ClinVar aggregate classification (germline): Pathogenic (1 of 4 stars; one submission).

Submission:

CeGaT Center for Human Genetics Tuebingen
Classification: Pathogenic. Last evaluated: 2024-10-01. Review status: criteria provided, single submitter. Criteria: CeGaT Center For Human Genetics Tuebingen Variant Classification Criteria Version 2. Collection method: clinical testing. Allele origin: germline. Affected: yes. Observed: 1 variant allele.
Comment: COL7A1: PVS1, PM2